The following is an entry in ClinVar:

ClinVar aggregate classification (germline): Uncertain significance (1 of 4 stars; one submission).

Conditions:
Progressive myoclonic epilepsy type 9. Identifiers: Orphanet 457265, MedGen C4225289, MONDO:0014685, OMIM 616540.
Lipodystrophy, partial, acquired, susceptibility to (APLD). Also called: APLD, SUSCEPTIBILITY TO. Identifiers: MedGen C3887501, MONDO:0100476, OMIM 608709.

Submission:

Labcorp Genetics (formerly Invitae), Labcorp
Classification: Uncertain significance for Progressive myoclonic epilepsy type 9; Lipodystrophy, partial, acquired, susceptibility to. Last evaluated: 2024-08-04. Review status: criteria provided, single submitter. Criteria: Invitae Variant Classification Sherloc (09022015). Collection method: clinical testing. Allele origin: germline.
Comment: This sequence change replaces asparagine, which is neutral and polar, with aspartic acid, which is acidic and polar, at codon 586 of the LMNB2 protein (p.Asn586Asp). This variant is not present in population databases (gnomAD no frequency). This variant has not been reported in the literature in individuals affected with LMNB2-related conditions. An algorithm developed to predict the effect of missense changes on protein structure and function (PolyPhen-2) suggests that this variant is likely to be tolerated. In summary, the available evidence is currently insufficient to determine the role of this variant in disease. Therefore, it has been classified as a Variant of Uncertain Significance.

NM_032737.4(LMNB2):c.1756A>G (p.Asn586Asp)

Gene: LMNB2 (lamin B2; minus strand). Cytogenetic location: 19p13.3.
Variant type: single nucleotide variant.
Coding change: c.1756A>G on transcript NM_032737.4 (MANE Select); coding-DNA position 1756, A replaced by G.
Protein change: p.Asn586Asp; replaces asparagine 586 with aspartic acid.
Molecular consequence: missense variant.
Genome position (GRCh38, 1-based): chr19:2,431,613, T>C on the plus strand (A>G on the coding strand, the complement: LMNB2 is on the minus strand). VCF-style: chr19-2431613-T-C. GRCh37 (hg19) VCF-style: chr19-2431611-T-C.
Other names: short protein forms N586D.
Identifiers: ClinVar variation 3756735 (VCV003756735.2).
Genomic context (GRCh38, chr19:2,431,613, plus strand): 5'-GGTGGAAAAGATCCTCCTCGCCAAACTCGGCTTCCTCCTCCTCTTCCTCCCCATTCTCAT[T>C]CTCACGCATCACCGAGGACTTCTTCACAGTCCTCATGGCCACTTCCTGTGCGGGACAGGA-3'
Protein context (NP_116126.3, residues 576-596): TVKKSSVMRE[Asn586Asp]ENGEEEEEEA